The following is an entry in ClinVar:

NM_001277115.2(DNAH11):c.9655A>G (p.Thr3219Ala)

Gene: DNAH11 (dynein axonemal heavy chain 11; plus strand). Cytogenetic location: 7p15.3.
Variant type: single nucleotide variant.
Coding change: c.9655A>G on transcript NM_001277115.2 (MANE Select); coding-DNA position 9655, A replaced by G.
Protein change: p.Thr3219Ala; replaces threonine 3219 with alanine.
Molecular consequence: missense variant.
Genome position (GRCh38, 1-based): chr7:21,786,681, A>G. VCF-style: chr7-21786681-A-G. GRCh37 (hg19) VCF-style: chr7-21826299-A-G.
Other names: c.9655A>G (NM_001277115.1); short protein forms T3219A.
Identifiers: ClinVar variation 1043343 (VCV001043343.10), dbSNP rs1166321526, ClinGen allele CA366940318.

ClinVar aggregate classification (germline): Conflicting classifications of pathogenicity. Review status: criteria provided, conflicting classifications (1 of 4 stars). 2 submissions from 2 submitters: Uncertain significance (1); Benign (1). Last evaluated 2025-07-07.

Conditions:
Primary ciliary dyskinesia. Also called: Ciliary dyskinesia. Identifiers: Orphanet 244, MedGen C0008780, MONDO:0016575, HP:0012265.

Allele frequency attached by ClinVar (database versions not stated): gnomAD exomes below 0.00001 and 0.00001; TOPMed below 0.00001; gnomAD 0.00001.
gnomAD v4.1: 8 of 1,613,612 alleles (0.0005%); highest among the groups gnomAD compares: Admixed American, 0.0017%; no homozygotes.

Submissions (2):

Ambry Genetics
Classification: Uncertain significance for Primary ciliary dyskinesia. Last evaluated: 2025-07-07. Review status: criteria provided, single submitter. Criteria: Ambry Variant Classification Scheme 2023. Collection method: clinical testing. Allele origin: germline.
Comment: The p.T3219A variant (also known as c.9655A>G), located in coding exon 59 of the DNAH11 gene, results from an A to G substitution at nucleotide position 9655. The threonine at codon 3219 is replaced by alanine, an amino acid with similar properties. This amino acid position is conserved. In addition, this alteration is predicted to be tolerated by in silico analysis. Based on the available evidence, the clinical significance of this variant remains unclear.

Labcorp Genetics (formerly Invitae), Labcorp
Classification: Benign for Primary ciliary dyskinesia. Last evaluated: 2024-01-17. Review status: criteria provided, single submitter. Criteria: Invitae Variant Classification Sherloc (09022015). Collection method: clinical testing. Allele origin: germline.